The following is an entry in ClinVar:

ClinVar aggregate classification (germline): Uncertain significance. Review status: criteria provided, multiple submitters, no conflicts (2 of 4 stars). 2 submissions from 2 submitters: Uncertain significance (2). Last evaluated 2025-07-23.

Conditions:
USP48-related condition.

Allele frequency attached by ClinVar (database versions not stated): gnomAD exomes 0.00003; ExAC 0.00005; gnomAD 0.00007; TOPMed 0.00008; ESP Exome Variant Server 0.00023.
gnomAD v4.1: 54 of 1,612,662 alleles (0.0033%); highest among the groups gnomAD compares: Admixed American, 0.005%; no homozygotes.

Submissions (2):

PreventionGenetics, part of Exact Sciences
Classification: Uncertain significance for USP48-related condition. Last evaluated: 2025-07-23. Review status: criteria provided, single submitter. Criteria: ACMG Guidelines, 2015. Collection method: clinical testing. Allele origin: germline.
Comment: The USP48 c.799C>T variant is predicted to result in the amino acid substitution p.Arg267Cys. To our knowledge, this variant has not been reported in the literature. This variant is reported in 0.15% of alleles in individuals of Ashkenazi Jewish descent in gnomAD. Although we suspect that this variant may be benign, at this time, the clinical significance of this variant is uncertain due to the absence of conclusive functional and genetic evidence.

Ambry Genetics
Classification: Uncertain significance. Last evaluated: 2024-08-07. Review status: criteria provided, single submitter. Criteria: Ambry Variant Classification Scheme 2023. Collection method: clinical testing. Allele origin: germline.

NM_032236.8(USP48):c.799C>T (p.Arg267Cys)

Gene: USP48 (ubiquitin specific peptidase 48; minus strand). Cytogenetic location: 1p36.12.
Variant type: single nucleotide variant.
Coding change: c.799C>T on transcript NM_032236.8 (MANE Select); coding-DNA position 799, C replaced by T.
Protein change: p.Arg267Cys; replaces arginine 267 with cysteine.
Molecular consequence: missense variant.
Genome position (GRCh38, 1-based): chr1:21,748,247, G>A on the plus strand (C>T on the coding strand, the complement: USP48 is on the minus strand). VCF-style: chr1-21748247-G-A. GRCh37 (hg19) VCF-style: chr1-22074740-G-A.
Other names: c.799C>T, p.Arg267Cys (NM_001032730.3, NM_001330394.3, NM_001350164.2 and 3 more transcripts); c.799C>T (NM_032236.6); short protein forms R267C.
Identifiers: ClinVar variation 2229146 (VCV002229146.4), dbSNP rs138040117, ClinGen allele CA668638.